The following is an entry in ClinVar:

NM_001372066.1(TFAP2A):c.889+2dup

Gene: TFAP2A (transcription factor AP-2 alpha; minus strand). Cytogenetic location: 6p24.3.
Variant type: Duplication.
Coding change: c.889+2dup on transcript NM_001372066.1 (MANE Select); the canonical splice donor site of the intron after coding-DNA position 889, one base duplicated (T; older notation c.889+2dupT).
Molecular consequence: splice donor variant.
Genome position (GRCh38, 1-based): chr6:10,402,490, A duplicated on the plus strand (T on the coding strand, the reverse complement: TFAP2A is on the minus strand). VCF-style (leftmost placement, unchanged base first): chr6-10402489-T-TA. GRCh37 (hg19) VCF-style: chr6-10402722-T-TA.
Other names: NM_003220.2:c.883+2dupT; c.871+2dup (NM_001042425.3); c.865+2dup (NM_001032280.3).
Identifiers: ClinVar variation 1033984 (VCV001033984.1), dbSNP rs1762047599, ClinGen allele CA1609975593.

ClinVar aggregate classification (germline): Likely pathogenic (1 of 4 stars; one submission).

Conditions:
Branchiooculofacial syndrome (BOFS). Also called: HEMANGIOMATOUS BRANCHIAL CLEFTS-LIP PSEUDOCLEFT SYNDROME; LIP PSEUDOCLEFT-HEMANGIOMATOUS BRANCHIAL CYST SYNDROME; BOF SYNDROME; Branchio-Oculo-Facial Syndrome. Identifiers: Orphanet 1297, MedGen C0376524, MeSH D019280, MONDO:0007235, OMIM 113620.

Submission:

Baylor Genetics
Classification: Likely pathogenic for Branchiooculofacial syndrome. Last evaluated: 2018-01-18. Review status: criteria provided, single submitter. Criteria: ACMG Guidelines, 2015. Collection method: clinical testing. Allele origin: de novo. Affected: yes.
Comment: This variant was determined to be likely pathogenic according to ACMG Guidelines, 2015 [PMID:25741868].